The following is an entry in ClinVar:

NM_001083614.2(EARS2):c.*2156T>G

Genes: EARS2 (glutamyl-tRNA synthetase 2, mitochondrial; minus strand), GGA2 (golgi associated, gamma adaptin ear containing, ARF binding protein 2; minus strand). Cytogenetic location: 16p12.2.
Variant type: single nucleotide variant.
Coding change: c.*2156T>G on transcript NM_001083614.2 (MANE Select); 2156 bases downstream of the stop codon, T replaced by G.
Molecular consequence: 3 prime UTR variant. On other transcripts: non-coding transcript variant (1).
Genome position (GRCh38, 1-based): chr16:23,522,215, A>C on the plus strand (T>G on the coding strand, the complement: EARS2 is on the minus strand). VCF-style: chr16-23522215-A-C. GRCh37 (hg19) VCF-style: chr16-23533536-A-C.
Identifiers: ClinVar variation 318510 (VCV000318510.6), dbSNP rs13334957, ClinGen allele CA10643260.

ClinVar aggregate classification (germline): Benign. Review status: criteria provided, multiple submitters, no conflicts (2 of 4 stars). 2 submissions from 2 submitters: Benign (2). Last evaluated 2018-01-13.

Conditions:
Leukoencephalopathy-thalamus and brainstem anomalies-high lactate syndrome. Also called: LEUKOENCEPHALOPATHY WITH THALAMUS AND BRAINSTEM INVOLVEMENT AND HIGH LACTATE; Combined oxidative phosphorylation deficiency 12. Identifiers: Orphanet 314051, MedGen C4706421, MONDO:0013971, OMIM 614924.

Allele frequency attached by ClinVar (database versions not stated): gnomAD exomes 0.03957; gnomAD 0.08240 and 0.08431; TOPMed 0.09209; 1000 Genomes Project 0.09884; 1000 Genomes Project 30x 0.10275.
gnomAD v4.1: 14,462 of 202,614 alleles (7.1%); highest among the groups gnomAD compares: African/African-American, 19%; 986 homozygotes.

Submissions (2):

Illumina Laboratory Services, Illumina
Classification: Benign for Leukoencephalopathy-thalamus and brainstem anomalies-high lactate syndrome. Last evaluated: 2018-01-13. Review status: criteria provided, single submitter. Criteria: ICSL Variant Classification Criteria 13 December 2019. Collection method: clinical testing. Allele origin: germline.
Comment: This variant was observed in the ICSL laboratory as part of a predisposition screen in an ostensibly healthy population. It had not been previously curated by ICSL or reported in the Human Gene Mutation Database (HGMD: prior to June 1st, 2018), and was therefore a candidate for classification through an automated scoring system. Utilizing variant allele frequency, disease prevalence and penetrance estimates, and inheritance mode, an automated score was calculated to assess if this variant is too frequent to cause the disease. Based on the score and internal cut-off values, a variant classified as benign is not then subjected to further curation. The score for this variant resulted in a classification of benign for this disease.

Breakthrough Genomics
Classification: Benign. Review status: criteria provided, single submitter. Criteria: ACMG Guidelines, 2015. Collection method: not provided. Allele origin: germline. Inheritance: Autosomal recessive inheritance. Affected: yes.